The following is an entry in ClinVar:

ClinVar aggregate classification (germline): Uncertain significance (1 of 4 stars; one submission).

Conditions:
MC3R-related disorder. Also called: MC3R-related condition.

Submission:

PreventionGenetics, part of Exact Sciences
Classification: Uncertain significance for MC3R-related condition. Last evaluated: 2026-05-11. Review status: criteria provided, single submitter. Criteria: ACMG Guidelines, 2015. Collection method: clinical testing. Allele origin: germline.
Comment: The MC3R c.583A>G variant is predicted to result in the amino acid substitution p.Met195Val. To our knowledge, this variant has not been reported in the literature. This variant is reported in 0.0029% of alleles in individuals of Latino descent in gnomAD. At this time, the clinical significance of this variant is uncertain due to the absence of conclusive functional and genetic evidence.

NM_019888.3(MC3R):c.583A>G (p.Met195Val)

Gene: MC3R (melanocortin 3 receptor; plus strand). Cytogenetic location: 20q13.2.
Variant type: single nucleotide variant.
Coding change: c.583A>G on transcript NM_019888.3 (MANE Select); coding-DNA position 583, A replaced by G.
Protein change: p.Met195Val; replaces methionine 195 with valine.
Molecular consequence: missense variant.
Genome position (GRCh38, 1-based): chr20:56,249,426, A>G. VCF-style: chr20-56249426-A-G. GRCh37 (hg19) VCF-style: chr20-54824482-A-G.
Other names: short protein forms M195V.
Identifiers: ClinVar variation 4989205 (VCV004989205.1).